The following is an entry in ClinVar:

ClinVar aggregate classification (germline): Uncertain significance (1 of 4 stars; one submission).

Submission:

Labcorp Genetics (formerly Invitae), Labcorp
Classification: Uncertain significance. Last evaluated: 2024-09-26. Review status: criteria provided, single submitter. Criteria: Invitae Variant Classification Sherloc (09022015). Collection method: clinical testing. Allele origin: germline.
Comment: This sequence change replaces asparagine, which is neutral and polar, with phenylalanine, which is neutral and non-polar, at codon 162 of the RECQL protein (p.Asn162Phe). Information on the frequency of this variant in the gnomAD database is not available, as this variant may be reported differently in the database. This variant has not been reported in the literature in individuals affected with RECQL-related conditions. An algorithm developed to predict the effect of missense changes on protein structure and function (PolyPhen-2) suggests that this variant is likely to be disruptive. In summary, the available evidence is currently insufficient to determine the role of this variant in disease. Therefore, it has been classified as a Variant of Uncertain Significance.

NM_002907.4(RECQL):c.484_485inv (p.Asn162Phe)

Gene: RECQL (RecQ like helicase; minus strand). Cytogenetic location: 12p12.1.
Variant type: Inversion.
Coding change: c.484_485inv on transcript NM_002907.4 (MANE Select).
Protein change: p.Asn162Phe; replaces asparagine 162 with phenylalanine.
Molecular consequence: missense variant.
Genome position: GRCh38 VCF-style: chr12-21486495-TT-AA. GRCh37 (hg19) VCF-style: chr12-21639429-TT-AA.
Other names: c.484_485inv, p.Asn162Phe (NM_032941.3); short protein forms N162F.
Identifiers: ClinVar variation 3697662 (VCV003697662.2).